The following is an entry in ClinVar:

ClinVar aggregate classification (germline): Uncertain significance (1 of 4 stars; one submission).

gnomAD v4.1: 2 of 1,613,532 alleles (0.00012%); highest among the groups gnomAD compares: East Asian, 0.0022%; no homozygotes.

Submission:

Labcorp Genetics (formerly Invitae), Labcorp
Classification: Uncertain significance. Last evaluated: 2026-01-24. Review status: criteria provided, single submitter. Criteria: Invitae Variant Classification Sherloc (09022015). Collection method: clinical testing. Allele origin: germline.
Comment: This sequence change falls in intron 1 of the GANAB gene. It does not directly change the encoded amino acid sequence of the GANAB protein. It affects a nucleotide within the consensus splice site. This variant is present in population databases (rs773714669, gnomAD 0.02%). This variant has not been reported in the literature in individuals affected with GANAB-related conditions. Variants that disrupt the consensus splice site are a relatively common cause of aberrant splicing (PMID: 17576681, 9536098). Algorithms developed to predict the effect of sequence changes on RNA splicing suggest that this variant is not likely to affect RNA splicing. In summary, the available evidence is currently insufficient to determine the role of this variant in disease. Therefore, it has been classified as a Variant of Uncertain Significance.

Literature cited by the submitters: PubMed 17576681; PubMed 9536098.

NM_198334.3(GANAB):c.38+6G>T

Gene: GANAB (glucosidase II alpha subunit; minus strand). Cytogenetic location: 11q12.3.
Variant type: single nucleotide variant.
Coding change: c.38+6G>T on transcript NM_198334.3 (MANE Select); 6 bases into the intron after coding-DNA position 38, G replaced by T.
Molecular consequence: intron variant.
Genome position (GRCh38, 1-based): chr11:62,646,556, C>A on the plus strand (G>T on the coding strand, the complement: GANAB is on the minus strand). VCF-style: chr11-62646556-C-A. GRCh37 (hg19) VCF-style: chr11-62414028-C-A.
Other names: c.38+6G>T (NM_001278193.2, NM_001278192.2, NM_198335.4); c.-250+6G>T (NM_001329223.2); c.-145+6G>T (NM_001278194.2); c.-739+6G>T (NM_001329225.2).
Identifiers: ClinVar variation 4773820 (VCV004773820.1).